The following is an entry in ClinVar:

ClinVar aggregate classification (germline): Likely pathogenic (1 of 4 stars; one submission).

Conditions:
Catecholaminergic polymorphic ventricular tachycardia 1. Also called: VENTRICULAR TACHYCARDIA, STRESS-INDUCED POLYMORPHIC 1; RYR2-Related Catecholaminergic Polymorphic Ventricular Tachycardia; VENTRICULAR TACHYCARDIA, CATECHOLAMINERGIC POLYMORPHIC, 1, WITH OR WITHOUT ATRIAL DYSFUNCTION AND/OR DILATED CARDIOMYOPATHY. Identifiers: Orphanet 3286, MedGen C1631597, MONDO:0011484, OMIM 604772.

Allele frequency attached by ClinVar (database versions not stated): gnomAD exomes 0.00001.

Submission:

Labcorp Genetics (formerly Invitae), Labcorp
Classification: Likely pathogenic for Catecholaminergic polymorphic ventricular tachycardia 1. Last evaluated: 2023-07-31. Review status: criteria provided, single submitter. Criteria: Invitae Variant Classification Sherloc (09022015). Collection method: clinical testing. Allele origin: germline.
Comment: This sequence change affects a splice site in intron 5 of the CASQ2 gene. It is expected to disrupt RNA splicing. Variants that disrupt the donor or acceptor splice site typically lead to a loss of protein function (PMID: 16199547), and loss-of-function variants in CASQ2 are known to be pathogenic (PMID: 12386154). This variant is present in population databases (no rsID available, gnomAD 0.0009%). This variant has not been reported in the literature in individuals affected with CASQ2-related conditions. Algorithms developed to predict the effect of sequence changes on RNA splicing suggest that this variant may disrupt the consensus splice site. In summary, the currently available evidence indicates that the variant is pathogenic, but additional data are needed to prove that conclusively. Therefore, this variant has been classified as Likely Pathogenic.

Literature cited by the submitters: PubMed 16199547; PubMed 12386154.

NM_001232.4(CASQ2):c.607-11_607-2del

Gene: CASQ2 (calsequestrin 2; minus strand). Cytogenetic location: 1p13.1.
Variant type: Deletion.
Coding change: c.607-11_607-2del on transcript NM_001232.4 (MANE Select); 11 bases into the intron before coding-DNA position 607 through the canonical splice acceptor site of the intron before coding-DNA position 607, 10 bases deleted (AATGGTTACA; older notation c.607-11_607-2delAATGGTTACA).
Molecular consequence: splice acceptor variant.
Genome position (GRCh38, 1-based): chr1:115,727,124-115,727,133, TGTAACCATT deleted on the plus strand (AATGGTTACA on the coding strand, the reverse complement: CASQ2 is on the minus strand). VCF-style (leftmost placement, unchanged base first): chr1-115727123-CTGTAACCATT-C. GRCh37 (hg19) VCF-style: chr1-116269744-CTGTAACCATT-C.
Identifiers: ClinVar variation 3019374 (VCV003019374.3), dbSNP rs1395036642, ClinGen allele CA525432559.
Genomic context (GRCh38, chr1:115,727,123, plus strand): 5'-ATCCATAAATGGCTCATAGAAGTCAACCTCATTCATCTTCAAAGATAATTTCTTTGCAAC[CTGTAACCATT>C]AGAAATAAGACAAAGTTTATTTGAATACTAGTCTAGAATAGCAGTGTGTTGTCCATCTAA-3'